The following is an entry in ClinVar:

NM_001256545.2(MEGF10):c.3003C>G (p.Ser1001Arg)

Gene: MEGF10 (multiple EGF like domains 10; plus strand). Cytogenetic location: 5q23.2.
Variant type: single nucleotide variant.
Coding change: c.3003C>G on transcript NM_001256545.2 (MANE Select); coding-DNA position 3003, C replaced by G.
Protein change: p.Ser1001Arg; replaces serine 1001 with arginine.
Molecular consequence: missense variant.
Genome position (GRCh38, 1-based): chr5:127,454,588, C>G. VCF-style: chr5-127454588-C-G. GRCh37 (hg19) VCF-style: chr5-126790280-C-G.
Other names: c.3003C>G, p.Ser1001Arg (NM_032446.3); short protein forms S1001R.
Identifiers: ClinVar variation 1522874 (VCV001522874.8), dbSNP rs35159176, ClinGen allele CA3392104.

ClinVar aggregate classification (germline): Uncertain significance (1 of 4 stars; one submission).

Conditions:
MEGF10-related myopathy (CMYO10A). Also called: Congenital myopathy 10A, severe variant. Identifiers: Orphanet 439212, MedGen C3280679, MONDO:0013731, OMIM 614399.

gnomAD v4.1: 4 of 1,607,696 alleles (0.00025%); highest among the groups gnomAD compares: Non-Finnish European, 0.00034%; no homozygotes.

Submission:

Labcorp Genetics (formerly Invitae), Labcorp
Classification: Uncertain significance for MEGF10-related myopathy. Last evaluated: 2021-04-14. Review status: criteria provided, single submitter. Criteria: Invitae Variant Classification Sherloc (09022015). Collection method: clinical testing. Allele origin: germline.
Comment: Algorithms developed to predict the effect of missense changes on protein structure and function (SIFT, PolyPhen-2, Align-GVGD) all suggest that this variant is likely to be tolerated, but these predictions have not been confirmed by published functional studies and their clinical significance is uncertain. In summary, the available evidence is currently insufficient to determine the role of this variant in disease. Therefore, it has been classified as a Variant of Uncertain Significance. Algorithms developed to predict the effect of sequence changes on RNA splicing suggest that this variant may create or strengthen a splice site, but this prediction has not been confirmed by published transcriptional studies. This variant has not been reported in the literature in individuals with MEGF10-related conditions. This variant is present in population databases (rs35159176, ExAC 0.002%). This sequence change replaces serine with arginine at codon 1001 of the MEGF10 protein (p.Ser1001Arg). The serine residue is moderately conserved and there is a moderate physicochemical difference between serine and arginine.